The following is an entry in ClinVar:

NM_000057.4(BLM):c.1105C>A (p.Gln369Lys)

Gene: BLM (BLM RecQ like helicase; plus strand). Cytogenetic location: 15q26.1.
Variant type: single nucleotide variant.
Coding change: c.1105C>A on transcript NM_000057.4 (MANE Select); coding-DNA position 1105, C replaced by A.
Protein change: p.Gln369Lys; replaces glutamine 369 with lysine.
Molecular consequence: missense variant. On other transcripts: 5 prime UTR variant (1).
Genome position (GRCh38, 1-based): chr15:90,760,164, C>A. VCF-style: chr15-90760164-C-A. GRCh37 (hg19) VCF-style: chr15-91303394-C-A.
Other names: c.1105C>A, p.Gln369Lys (NM_001287246.2, NM_001287247.2); c.-21C>A (NM_001287248.2); short protein forms Q369K.
Identifiers: ClinVar variation 1443101 (VCV001443101.6), dbSNP rs1049658021, ClinGen allele CA393842317.
Genomic context (GRCh38, chr15:90,760,164, plus strand): 5'-TTTTCCCTCAAAGAAAAATATTAACAACATAATTATTTTATAGCTAGACAGATAAGTTTA[C>A]AGCAGCAGCTTATTCATGTGATGGAGCACATCTGTAAATTAATTGATACTATTCCTGATG-3'
Protein context (NP_000048.1, residues 359-379): TDCDARQISL[Gln369Lys]QQLIHVMEHI

ClinVar aggregate classification (germline): Uncertain significance (1 of 4 stars; one submission).

Conditions:
Bloom syndrome (BLM). Also called: Bloom-Torre-Machacek syndrome. Identifiers: Orphanet 125, MedGen C0005859, MONDO:0008876, OMIM 210900.

Submission:

Labcorp Genetics (formerly Invitae), Labcorp
Classification: Uncertain significance for Bloom syndrome. Last evaluated: 2021-11-23. Review status: criteria provided, single submitter. Criteria: Invitae Variant Classification Sherloc (09022015). Collection method: clinical testing. Allele origin: germline.
Comment: This variant has not been reported in the literature in individuals affected with BLM-related conditions. In summary, the available evidence is currently insufficient to determine the role of this variant in disease. Therefore, it has been classified as a Variant of Uncertain Significance. Algorithms developed to predict the effect of missense changes on protein structure and function (SIFT, PolyPhen-2, Align-GVGD) all suggest that this variant is likely to be tolerated. This variant is not present in population databases (gnomAD no frequency). This sequence change replaces glutamine, which is neutral and polar, with lysine, which is basic and polar, at codon 369 of the BLM protein (p.Gln369Lys).